The following is an entry in ClinVar:

NM_001375524.1(TRRAP):c.2981C>G (p.Thr994Arg)

Gene: TRRAP (transformation/transcription domain associated protein; plus strand). Cytogenetic location: 7q22.1.
Variant type: single nucleotide variant.
Coding change: c.2981C>G on transcript NM_001375524.1 (MANE Select); coding-DNA position 2981, C replaced by G.
Protein change: p.Thr994Arg; replaces threonine 994 with arginine.
Molecular consequence: missense variant.
Genome position (GRCh38, 1-based): chr7:98,927,172, C>G. VCF-style: chr7-98927172-C-G. GRCh37 (hg19) VCF-style: chr7-98524795-C-G.
Other names: c.2981C>G, p.Thr994Arg (NM_001244580.2, NM_003496.4); short protein forms T994R.
Identifiers: ClinVar variation 4771129 (VCV004771129.1).
Genomic context (GRCh38, chr7:98,927,172, plus strand): 5'-AGTCATCAGCTCAGGAGTTGGGTGTCGTGACACCAGATCTGATTTTGCCTTTCAGCTTTA[C>G]AGAAAAGACCATCCCCAATGTTATCATCTCACATCGCTACAAAGCCCAGGACACTCCAGC-3'
Protein context (NP_001362453.1, residues 984-1004): LYQLLAHPNF[Thr994Arg]EKTIPNVIIS

ClinVar aggregate classification (germline): Uncertain significance (1 of 4 stars; one submission).

Submission:

Labcorp Genetics (formerly Invitae), Labcorp
Classification: Uncertain significance. Last evaluated: 2025-07-28. Review status: criteria provided, single submitter. Criteria: Invitae Variant Classification Sherloc (09022015). Collection method: clinical testing. Allele origin: germline.
Comment: This sequence change replaces threonine, which is neutral and polar, with arginine, which is basic and polar, at codon 994 of the TRRAP protein (p.Thr994Arg). This variant is not present in population databases (gnomAD no frequency). This variant has not been reported in the literature in individuals affected with TRRAP-related conditions. Invitae Evidence Modeling of protein sequence and biophysical properties (such as structural, functional, and spatial information, amino acid conservation, physicochemical variation, residue mobility, and thermodynamic stability) indicates that this missense variant is not expected to disrupt TRRAP protein function with a negative predictive value of 80%. In summary, the available evidence is currently insufficient to determine the role of this variant in disease. Therefore, it has been classified as a Variant of Uncertain Significance.